The following is an entry in ClinVar:

NM_006231.4(POLE):c.6121G>A (p.Val2041Ile)

Gene: POLE (DNA polymerase epsilon, catalytic subunit; minus strand). Cytogenetic location: 12q24.33.
Variant type: single nucleotide variant.
Coding change: c.6121G>A on transcript NM_006231.4 (MANE Select); coding-DNA position 6121, G replaced by A.
Protein change: p.Val2041Ile; replaces valine 2041 with isoleucine.
Molecular consequence: missense variant.
Genome position (GRCh38, 1-based): chr12:132,632,679, C>T on the plus strand (G>A on the coding strand, the complement: POLE is on the minus strand). VCF-style: chr12-132632679-C-T. GRCh37 (hg19) VCF-style: chr12-133209265-C-T.
Other names: short protein forms V2041I.
Identifiers: ClinVar variation 1015138 (VCV001015138.8), dbSNP rs2041958041, ClinGen allele CA387370294.

ClinVar aggregate classification (germline): Uncertain significance (1 of 4 stars; one submission).

Allele frequency attached by ClinVar (database versions not stated): gnomAD exomes below 0.00001.
gnomAD v4.1: 1 of 1,614,054 alleles (0.000062%); highest among the groups gnomAD compares: East Asian, 0.0022%; no homozygotes.

Submission:

Labcorp Genetics (formerly Invitae), Labcorp
Classification: Uncertain significance. Last evaluated: 2020-03-18. Review status: criteria provided, single submitter. Criteria: Invitae Variant Classification Sherloc (09022015). Collection method: clinical testing. Allele origin: germline.
Comment: This sequence change replaces valine with isoleucine at codon 2041 of the POLE protein (p.Val2041Ile). The valine residue is weakly conserved and there is a small physicochemical difference between valine and isoleucine. This variant is not present in population databases (ExAC no frequency). This variant has not been reported in the literature in individuals with POLE-related conditions. Algorithms developed to predict the effect of missense changes on protein structure and function (SIFT, PolyPhen-2, Align-GVGD) all suggest that this variant is likely to be tolerated, but these predictions have not been confirmed by published functional studies and their clinical significance is uncertain. In summary, the available evidence is currently insufficient to determine the role of this variant in disease. Therefore, it has been classified as a Variant of Uncertain Significance.